The following is an entry in ClinVar:

ClinVar aggregate classification (germline): Likely benign. Review status: criteria provided, multiple submitters, no conflicts (2 of 4 stars). 2 submissions from 2 submitters: Likely benign (2). Last evaluated 2025-12-01.

Conditions:
Spastic paraplegia. Identifiers: MedGen C0037772, HP:0001258.

Allele frequency attached by ClinVar (database versions not stated): 1000 Genomes Project 0.00040; 1000 Genomes Project 30x 0.00047.
gnomAD v4.1: 95 of 1,614,126 alleles (0.0059%); highest among the groups gnomAD compares: South Asian, 0.094%; no homozygotes.

Submissions (2):

CeGaT Center for Human Genetics Tuebingen
Classification: Likely benign. Last evaluated: 2025-12-01. Review status: criteria provided, single submitter. Criteria: CeGaT Center For Human Genetics Tuebingen Variant Classification Criteria Version 2. Collection method: clinical testing. Allele origin: germline. Affected: yes. Observed: 1 variant allele.
Comment: GBA2: BP4, BP7

Labcorp Genetics (formerly Invitae), Labcorp
Classification: Likely benign for Spastic paraplegia. Last evaluated: 2022-12-18. Review status: criteria provided, single submitter. Criteria: Invitae Variant Classification Sherloc (09022015). Collection method: clinical testing. Allele origin: germline.

NM_020944.3(GBA2):c.1539C>T (p.Leu513=)

Gene: GBA2 (glucosylceramidase beta 2; minus strand). Cytogenetic location: 9p13.3.
Variant type: single nucleotide variant.
Coding change: c.1539C>T on transcript NM_020944.3 (MANE Select); coding-DNA position 1539, C replaced by T.
Protein change: p.Leu513=; no amino-acid change (leucine 513 retained).
Molecular consequence: synonymous variant.
Genome position (GRCh38, 1-based): chr9:35,739,671, G>A on the plus strand (C>T on the coding strand, the complement: GBA2 is on the minus strand). VCF-style: chr9-35739671-G-A. GRCh37 (hg19) VCF-style: chr9-35739668-G-A.
Other names: c.1539C>T, p.Leu513= (NM_001330660.2).
Identifiers: ClinVar variation 2901350 (VCV002901350.8), dbSNP rs145651113, ClinGen allele CA5050378.